The following is an entry in ClinVar:

ClinVar aggregate classification (germline): Benign. Review status: criteria provided, multiple submitters, no conflicts (2 of 4 stars). 5 submissions from 2 submitters: Benign (5). Last evaluated 2018-01-13.

Conditions:
Neonatal severe primary hyperparathyroidism. Identifiers: Orphanet 417, MedGen C1832615, MONDO:0009397, OMIM 239200.
Familial hypoparathyroidism. Also called: Familial isolated hypoparathyroidism. Identifiers: Orphanet 2238, MedGen C1832648, MONDO:0016390.
Autosomal dominant hypocalcemia 1 (HYPOC1). Also called: HYPOCALCEMIA, FAMILIAL. Identifiers: MedGen C3715128, MONDO:0011013, OMIM 601198.
Familial hypocalciuric hypercalcemia 1. Also called: Hypercalcemia, familial benign type 1. Identifiers: Orphanet 405, Orphanet 93372, MedGen C0342637, MONDO:0007791, OMIM 145980.

Allele frequency attached by ClinVar (database versions not stated): TOPMed 0.96720; 1000 Genomes Project 30x 0.96768; gnomAD 0.96802 and 0.97037; 1000 Genomes Project 0.96865; gnomAD exomes 0.99835.
gnomAD v4.1: 157,831 of 162,322 alleles (97%); highest among the groups gnomAD compares: East Asian, 100%; 76,913 homozygotes.

Submissions (5):

Illumina Laboratory Services, Illumina
Classification: Benign for Neonatal severe primary hyperparathyroidism. Last evaluated: 2018-01-13. Review status: criteria provided, single submitter. Criteria: ICSL Variant Classification Criteria 13 December 2019. Collection method: clinical testing. Allele origin: germline.
Comment: This variant was observed in the ICSL laboratory as part of a predisposition screen in an ostensibly healthy population. It had not been previously curated by ICSL or reported in the Human Gene Mutation Database (HGMD: prior to June 1st, 2018), and was therefore a candidate for classification through an automated scoring system. Utilizing variant allele frequency, disease prevalence and penetrance estimates, and inheritance mode, an automated score was calculated to assess if this variant is too frequent to cause the disease. Based on the score and internal cut-off values, a variant classified as benign is not then subjected to further curation. The score for this variant resulted in a classification of benign for this disease.

Illumina Laboratory Services, Illumina
Classification: Benign for Familial hypocalciuric hypercalcemia 1. Last evaluated: 2018-01-13. Review status: criteria provided, single submitter. Criteria: ICSL Variant Classification Criteria 13 December 2019. Collection method: clinical testing. Allele origin: germline.
Comment: the same text as in the submission from Illumina Laboratory Services, Illumina above.

Illumina Laboratory Services, Illumina
Classification: Benign for Autosomal dominant hypocalcemia 1. Last evaluated: 2018-01-13. Review status: criteria provided, single submitter. Criteria: ICSL Variant Classification Criteria 13 December 2019. Collection method: clinical testing. Allele origin: germline.
Comment: the same text as in the submission from Illumina Laboratory Services, Illumina above.

Illumina Laboratory Services, Illumina
Classification: Benign for Familial isolated hypoparathyroidism. Last evaluated: 2018-01-13. Review status: criteria provided, single submitter. Criteria: ICSL Variant Classification Criteria 13 December 2019. Collection method: clinical testing. Allele origin: germline.
Comment: the same text as in the submission from Illumina Laboratory Services, Illumina above.

Breakthrough Genomics
Classification: Benign. Review status: criteria provided, single submitter. Criteria: ACMG Guidelines, 2015. Collection method: not provided. Allele origin: germline. Inheritance: Autosomal recessive inheritance. Affected: yes.

NM_000388.4(CASR):c.*574C>G

Gene: CASR (calcium sensing receptor; plus strand). Cytogenetic location: 3q21.1.
Variant type: single nucleotide variant.
Coding change: c.*574C>G on transcript NM_000388.4 (MANE Select); 574 bases downstream of the stop codon, C replaced by G.
Molecular consequence: 3 prime UTR variant.
Genome position (GRCh38, 1-based): chr3:122,285,765, C>G. VCF-style: chr3-122285765-C-G. GRCh37 (hg19) VCF-style: chr3-122004612-C-G.
Other names: c.*574C>G (NM_001178065.2).
Identifiers: ClinVar variation 342810 (VCV000342810.6), dbSNP rs6438718, ClinGen allele CA10617017.